The following is an entry in ClinVar:

NM_000171.4(GLRA1):c.116C>T (p.Ser39Leu)

Gene: GLRA1 (glycine receptor alpha 1; minus strand). Cytogenetic location: 5q33.1.
Variant type: single nucleotide variant.
Coding change: c.116C>T on transcript NM_000171.4 (MANE Select); coding-DNA position 116, C replaced by T.
Protein change: p.Ser39Leu; replaces serine 39 with leucine.
Molecular consequence: missense variant. On other transcripts: intron variant (1).
Genome position (GRCh38, 1-based): chr5:151,892,379, G>A on the plus strand (C>T on the coding strand, the complement: GLRA1 is on the minus strand). VCF-style: chr5-151892379-G-A. GRCh37 (hg19) VCF-style: chr5-151271940-G-A.
Other names: c.116C>T, p.Ser39Leu (NM_001146040.2); c.-65-5591C>T (NM_001292000.2); short protein forms S39L.
Identifiers: ClinVar variation 645506 (VCV000645506.11), dbSNP rs766445967, ClinGen allele CA3523772.

ClinVar aggregate classification (germline): Uncertain significance. Review status: criteria provided, multiple submitters, no conflicts (2 of 4 stars). 2 submissions from 2 submitters: Uncertain significance (2). Last evaluated 2026-04-02.

Conditions:
Hereditary hyperekplexia. Identifiers: Orphanet 3197, MedGen C4084968, MONDO:0021022.

Allele frequency attached by ClinVar (database versions not stated): gnomAD exomes below 0.00001; ExAC 0.00001; gnomAD 0.00001; TOPMed 0.00001.
gnomAD v4.1: 4 of 1,613,874 alleles (0.00025%); highest among the groups gnomAD compares: Admixed American, 0.0017%; no homozygotes.

Submissions (2):

GeneDx
Classification: Uncertain significance. Last evaluated: 2026-04-02. Review status: criteria provided, single submitter. Criteria: GeneDx Variant Classification Process June 2021. Collection method: clinical testing. Allele origin: germline.
Comment: Not observed at significant frequency in large population cohorts (gnomAD); In silico analysis supports that this missense variant has a deleterious effect on protein structure/function; Has not been previously published as pathogenic or benign to our knowledge

Labcorp Genetics (formerly Invitae), Labcorp
Classification: Uncertain significance for Hereditary hyperekplexia. Last evaluated: 2022-12-28. Review status: criteria provided, single submitter. Criteria: Invitae Variant Classification Sherloc (09022015). Collection method: clinical testing. Allele origin: germline.
Comment: This sequence change replaces serine, which is neutral and polar, with leucine, which is neutral and non-polar, at codon 39 of the GLRA1 protein (p.Ser39Leu). This variant is present in population databases (rs766445967, gnomAD 0.004%). This missense change has been observed in individual(s) with hyperekplexia (Invitae). In at least one individual the data is consistent with being in trans (on the opposite chromosome) from a pathogenic variant. ClinVar contains an entry for this variant (Variation ID: 645506). Advanced modeling of protein sequence and biophysical properties (such as structural, functional, and spatial information, amino acid conservation, physicochemical variation, residue mobility, and thermodynamic stability) has been performed at Invitae for this missense variant, however the output from this modeling did not meet the statistical confidence thresholds required to predict the impact of this variant on GLRA1 protein function. In summary, the available evidence is currently insufficient to determine the role of this variant in disease. Therefore, it has been classified as a Variant of Uncertain Significance.